The following is an entry in ClinVar:

NM_000170.3(GLDC):c.2779C>T (p.Arg927Trp)

Gene: GLDC (glycine decarboxylase; minus strand). Cytogenetic location: 9p24.1.
Variant type: single nucleotide variant.
Coding change: c.2779C>T on transcript NM_000170.3 (MANE Select); coding-DNA position 2779, C replaced by T.
Protein change: p.Arg927Trp; replaces arginine 927 with tryptophan.
Molecular consequence: missense variant.
Genome position (GRCh38, 1-based): chr9:6,536,123, G>A on the plus strand (C>T on the coding strand, the complement: GLDC is on the minus strand). VCF-style: chr9-6536123-G-A. GRCh37 (hg19) VCF-style: chr9-6536123-G-A.
Other names: short protein forms R927W.
Identifiers: ClinVar variation 2708735 (VCV002708735.1), dbSNP rs552072250, ClinGen allele CA4980076.

ClinVar aggregate classification (germline): Uncertain significance (1 of 4 stars; one submission).

Conditions:
Glycine encephalopathy. Also called: Nonketotic hyperglycinemia; Non-ketotic hyperglycinemia. Identifiers: Orphanet 407, MedGen C0751748, MONDO:0011612, HP:0008288.

Allele frequency attached by ClinVar (database versions not stated): TOPMed below 0.00001; ExAC 0.00001; gnomAD 0.00001; 1000 Genomes Project 0.00020; 1000 Genomes Project 30x 0.00031.
gnomAD v4.1: 7 of 1,613,998 alleles (0.00043%); highest among the groups gnomAD compares: South Asian, 0.0011%; no homozygotes.

Submission:

Labcorp Genetics (formerly Invitae), Labcorp
Classification: Uncertain significance for Glycine encephalopathy. Last evaluated: 2023-12-28. Review status: criteria provided, single submitter. Criteria: Invitae Variant Classification Sherloc (09022015). Collection method: clinical testing. Allele origin: germline.
Comment: This sequence change replaces arginine, which is basic and polar, with tryptophan, which is neutral and slightly polar, at codon 927 of the GLDC protein (p.Arg927Trp). This variant is present in population databases (rs552072250, gnomAD 0.003%). This variant has not been reported in the literature in individuals affected with GLDC-related conditions. Advanced modeling of protein sequence and biophysical properties (such as structural, functional, and spatial information, amino acid conservation, physicochemical variation, residue mobility, and thermodynamic stability) has been performed at Invitae for this missense variant, however the output from this modeling did not meet the statistical confidence thresholds required to predict the impact of this variant on GLDC protein function. In summary, the available evidence is currently insufficient to determine the role of this variant in disease. Therefore, it has been classified as a Variant of Uncertain Significance.